The following is an entry in ClinVar:

ClinVar aggregate classification (germline): Uncertain significance (1 of 4 stars; one submission).

gnomAD v4.1: 4 of 1,614,044 alleles (0.00025%); highest among the groups gnomAD compares: Non-Finnish European, 0.00034%; no homozygotes.

Submission:

Labcorp Genetics (formerly Invitae), Labcorp
Classification: Uncertain significance. Last evaluated: 2021-05-18. Review status: criteria provided, single submitter. Criteria: Invitae Variant Classification Sherloc (09022015). Collection method: clinical testing. Allele origin: germline.
Comment: In summary, the available evidence is currently insufficient to determine the role of this variant in disease. Therefore, it has been classified as a Variant of Uncertain Significance. Algorithms developed to predict the effect of missense changes on protein structure and function (SIFT, PolyPhen-2, Align-GVGD) all suggest that this variant is likely to be tolerated, but these predictions have not been confirmed by published functional studies and their clinical significance is uncertain. This variant has not been reported in the literature in individuals with LRIT3-related conditions. This variant is not present in population databases (ExAC no frequency). This sequence change replaces valine with aspartic acid at codon 369 of the LRIT3 protein (p.Val369Asp). The valine residue is weakly conserved and there is a large physicochemical difference between valine and aspartic acid.

NM_198506.5(LRIT3):c.1106T>A (p.Val369Asp)

Gene: LRIT3 (leucine rich repeat, Ig-like and transmembrane domains 3; plus strand). Cytogenetic location: 4q25.
Variant type: single nucleotide variant.
Coding change: c.1106T>A on transcript NM_198506.5 (MANE Select); coding-DNA position 1106, T replaced by A.
Protein change: p.Val369Asp; replaces valine 369 with aspartic acid.
Molecular consequence: missense variant.
Genome position (GRCh38, 1-based): chr4:109,869,855, T>A. VCF-style: chr4-109869855-T-A. GRCh37 (hg19) VCF-style: chr4-110791011-T-A.
Other names: short protein forms V369D.
Identifiers: ClinVar variation 1463292 (VCV001463292.8), dbSNP rs150560307, ClinGen allele CA357870316.